The following is an entry in ClinVar:

ClinVar aggregate classification (germline): Conflicting classifications of pathogenicity. Review status: criteria provided, conflicting classifications (1 of 4 stars). 3 submissions from 3 submitters: Uncertain significance (2); Likely benign (1). Last evaluated 2024-07-22.

Conditions:
Familial meningioma. Also called: Meningioma, familial, susceptibility to. Identifiers: Orphanet 263662, MedGen C3551915, MONDO:0011789, OMIM 607174.
Hereditary cancer-predisposing syndrome. Also called: Tumor predisposition; Hereditary neoplastic syndrome; Neoplastic Syndromes, Hereditary; Hereditary Cancer Syndrome. Identifiers: Orphanet 140162, MedGen C0027672, MeSH D009386, MONDO:0015356.

Allele frequency attached by ClinVar (database versions not stated): gnomAD exomes below 0.00001; TOPMed below 0.00001.
gnomAD v4.1: 1 of 1,612,724 alleles (0.000062%); highest among the groups gnomAD compares: Non-Finnish European, 0.000085%; no homozygotes.

Submissions (3):

Labcorp Genetics (formerly Invitae), Labcorp
Classification: Uncertain significance for Familial meningioma. Last evaluated: 2024-07-22. Review status: criteria provided, single submitter. Criteria: Invitae Variant Classification Sherloc (09022015). Collection method: clinical testing. Allele origin: germline.
Comment: This sequence change replaces valine, which is neutral and non-polar, with alanine, which is neutral and non-polar, at codon 374 of the SMARCE1 protein (p.Val374Ala). This variant is not present in population databases (gnomAD no frequency). This variant has not been reported in the literature in individuals affected with SMARCE1-related conditions. ClinVar contains an entry for this variant (Variation ID: 818361). Advanced modeling of protein sequence and biophysical properties (such as structural, functional, and spatial information, amino acid conservation, physicochemical variation, residue mobility, and thermodynamic stability) performed at Invitae indicates that this missense variant is not expected to disrupt SMARCE1 protein function with a negative predictive value of 80%. In summary, the available evidence is currently insufficient to determine the role of this variant in disease. Therefore, it has been classified as a Variant of Uncertain Significance.

Ambry Genetics
Classification: Likely benign for Hereditary cancer-predisposing syndrome. Last evaluated: 2023-10-16. Review status: criteria provided, single submitter. Criteria: Ambry Variant Classification Scheme 2023. Collection method: clinical testing. Allele origin: germline.

GeneDx
Classification: Uncertain significance. Last evaluated: 2023-03-29. Review status: criteria provided, single submitter. Criteria: GeneDx Variant Classification Process June 2021. Collection method: clinical testing. Allele origin: germline. Affected: yes.
Comment: Not observed at significant frequency in large population cohorts (gnomAD); In silico analysis supports that this missense variant does not alter protein structure/function; Has not been previously published as pathogenic or benign to our knowledge; This variant is associated with the following publications: (PMID: 19245665)

NM_003079.5(SMARCE1):c.1121T>C (p.Val374Ala)

Gene: SMARCE1 (SWI/SNF related BAF chromatin remodeling complex subunit E1; minus strand). Cytogenetic location: 17q21.2.
Variant type: single nucleotide variant.
Coding change: c.1121T>C on transcript NM_003079.5 (MANE Select); coding-DNA position 1121, T replaced by C.
Protein change: p.Val374Ala; replaces valine 374 with alanine.
Molecular consequence: missense variant.
Genome position (GRCh38, 1-based): chr17:40,628,900, A>G on the plus strand (T>C on the coding strand, the complement: SMARCE1 is on the minus strand). VCF-style: chr17-40628900-A-G. GRCh37 (hg19) VCF-style: chr17-38785152-A-G.
Other names: short protein forms V374A.
Identifiers: ClinVar variation 818361 (VCV000818361.14), dbSNP rs1597741256, ClinGen allele CA399361293.